The following is an entry in ClinVar:

NM_002894.3(RBBP8):c.1644T>C (p.Asp548=)

Gene: RBBP8 (RB binding protein 8, endonuclease; plus strand). Cytogenetic location: 18q11.2.
Variant type: single nucleotide variant.
Coding change: c.1644T>C on transcript NM_002894.3 (MANE Select); coding-DNA position 1644, T replaced by C.
Protein change: p.Asp548=; no amino-acid change (aspartic acid 548 retained).
Molecular consequence: synonymous variant.
Genome position (GRCh38, 1-based): chr18:22,993,471, T>C. VCF-style: chr18-22993471-T-C. GRCh37 (hg19) VCF-style: chr18-20573434-T-C.
Other names: c.1644T>C, p.Asp548= (NM_203291.2, NM_203292.2).
Identifiers: ClinVar variation 130104 (VCV000130104.45), dbSNP rs34780140, ClinGen allele CA154891.

ClinVar aggregate classification (germline): Benign. Review status: criteria provided, multiple submitters, no conflicts (2 of 4 stars). 6 submissions from 6 submitters: Benign (5). 1 of the submissions does not count toward it. Last evaluated 2026-09-01.

Conditions:
RBBP8-related disorder. Also called: RBBP8-related condition; RBBP8-Related Disorders. Identifiers: MedGen CN239300.

Allele frequency attached by ClinVar (database versions not stated): gnomAD 0.00746 and 0.00728; ExAC 0.00748; TOPMed 0.00764; gnomAD exomes 0.00785 and 0.00984; ESP Exome Variant Server 0.00838; 1000 Genomes Project 30x 0.00453; 1000 Genomes Project 0.00499.
gnomAD v4.1: 15,441 of 1,614,198 alleles (0.96%); highest among the groups gnomAD compares: Non-Finnish European, 1.1%; 94 homozygotes.

Submissions (6):

CeGaT Center for Human Genetics Tuebingen
Classification: Benign. Last evaluated: 2026-09-01. Review status: criteria provided, single submitter. Criteria: CeGaT Center For Human Genetics Tuebingen Variant Classification Criteria Version 2. Collection method: clinical testing. Allele origin: germline. Affected: yes. Observed: 36 variant alleles.
Comment: RBBP8: BP4, BP7, BS1, BS2

Labcorp Genetics (formerly Invitae), Labcorp
Classification: Benign. Last evaluated: 2026-02-04. Review status: criteria provided, single submitter. Criteria: Invitae Variant Classification Sherloc (09022015). Collection method: clinical testing. Allele origin: germline.

Genetic Services Laboratory, University of Chicago
Classification: Benign. Last evaluated: 2017-03-02. Review status: criteria provided, single submitter. Criteria: ACMG Guidelines, 2015. Collection method: clinical testing. Allele origin: germline. Affected: no.

GeneDx
Classification: Benign. Last evaluated: 2015-03-03. Review status: criteria provided, single submitter. Criteria: GeneDx Variant Classification Process June 2021. Collection method: clinical testing. Allele origin: germline. Affected: yes.

Breakthrough Genomics
Classification: Benign. Review status: criteria provided, single submitter. Criteria: ACMG Guidelines, 2015. Collection method: not provided. Allele origin: germline. Inheritance: Autosomal recessive inheritance. Affected: yes.

PreventionGenetics, part of Exact Sciences
Classification: Benign for RBBP8-related condition. Last evaluated: 2019-05-07. Review status: no assertion criteria provided. Collection method: clinical testing. Allele origin: germline. Not counted in ClinVar's aggregate classification.
Comment: This variant is classified as benign based on ACMG/AMP sequence variant interpretation guidelines (Richards et al. 2015 PMID: 25741868, with internal and published modifications).